The following is an entry in ClinVar:

NM_006231.4(POLE):c.2154del (p.Lys717_Tyr718insTer)

Gene: POLE (DNA polymerase epsilon, catalytic subunit; minus strand). Cytogenetic location: 12q24.33.
Variant type: Deletion.
Coding change: c.2154del on transcript NM_006231.4 (MANE Select); coding-DNA position 2154, one base deleted (C; older notation c.2154delC).
Protein change: p.Lys717_Tyr718insTer.
Molecular consequence: nonsense.
Genome position (GRCh38, 1-based): chr12:132,668,375, G deleted on the plus strand (C on the coding strand, the reverse complement: POLE is on the minus strand). VCF-style (leftmost placement, unchanged base first): chr12-132668374-CG-C. GRCh37 (hg19) VCF-style: chr12-133244960-CG-C.
Identifiers: ClinVar variation 2582706 (VCV002582706.4), dbSNP rs2542096701, ClinGen allele CA2582341805.

ClinVar aggregate classification (germline): Pathogenic. Review status: criteria provided, single submitter (1 of 4 stars). 2 submissions from 2 submitters: Pathogenic (1). 1 of the submissions does not count toward it. Last evaluated 2023-07-28.

Conditions:
Colorectal cancer, susceptibility to, 12 (CRCS12). Also called: COLORECTAL CANCER, SUSCEPTIBILITY TO, ON CHROMOSOME 12q24. Identifiers: Orphanet 220460, MedGen C3554460, MONDO:0014038, OMIM 615083.

Submissions (2):

Labcorp Genetics (formerly Invitae), Labcorp
Classification: Pathogenic. Last evaluated: 2023-07-28. Review status: criteria provided, single submitter. Criteria: Invitae Variant Classification Sherloc (09022015). Collection method: clinical testing. Allele origin: germline.
Comment: This sequence change creates a premature translational stop signal (p.Tyr718*) in the POLE gene. It is expected to result in an absent or disrupted protein product. Loss-of-function variants in POLE are known to be pathogenic (PMID: 23230001, 25948378, 30503519). This variant is not present in population databases (gnomAD no frequency). This variant has not been reported in the literature in individuals affected with POLE-related conditions. For these reasons, this variant has been classified as Pathogenic.

Zotz-Klimas Genetics Lab, MVZ Zotz Klimas
Classification: Likely pathogenic for Colorectal cancer, susceptibility to, 12. Last evaluated: 2023-10-09. Review status: no assertion criteria provided. Collection method: clinical testing. Allele origin: germline. Affected: yes. Not counted in ClinVar's aggregate classification.

Literature cited by the submitters: PubMed 23230001 (cited by Labcorp Genetics (formerly Invitae), Labcorp); PubMed 25948378 (cited by Labcorp Genetics (formerly Invitae), Labcorp); PubMed 30503519 (cited by Labcorp Genetics (formerly Invitae), Labcorp).